The following is an entry in ClinVar:

ClinVar aggregate classification (germline): Uncertain significance (1 of 4 stars; one submission).

Allele frequency attached by ClinVar (database versions not stated): gnomAD exomes below 0.00001 and 0.00001; ExAC 0.00001; ESP Exome Variant Server 0.00008.
gnomAD v4.1: 4 of 1,613,390 alleles (0.00025%); highest among the groups gnomAD compares: Non-Finnish European, 0.00034%; no homozygotes.

Submission:

Labcorp Genetics (formerly Invitae), Labcorp
Classification: Uncertain significance. Last evaluated: 2021-07-14. Review status: criteria provided, single submitter. Criteria: Invitae Variant Classification Sherloc (09022015). Collection method: clinical testing. Allele origin: germline.
Comment: This sequence change replaces histidine with arginine at codon 2021 of the MPDZ protein (p.His2021Arg). The histidine residue is highly conserved and there is a small physicochemical difference between histidine and arginine. This variant is present in population databases (rs369281280, ExAC 0.001%). This variant has not been reported in the literature in individuals affected with MPDZ-related conditions. Algorithms developed to predict the effect of missense changes on protein structure and function are either unavailable or do not agree on the potential impact of this missense change (SIFT: "Deleterious"; PolyPhen-2: "Probably Damaging"; Align-GVGD: "Class C0"). In summary, the available evidence is currently insufficient to determine the role of this variant in disease. Therefore, it has been classified as a Variant of Uncertain Significance.

NM_001378778.1(MPDZ):c.6149A>G (p.His2050Arg)

Gene: MPDZ (multiple PDZ domain crumbs cell polarity complex component; minus strand). Cytogenetic location: 9p23.
Variant type: single nucleotide variant.
Coding change: c.6149A>G on transcript NM_001378778.1 (MANE Select); coding-DNA position 6149, A replaced by G.
Protein change: p.His2050Arg; replaces histidine 2050 with arginine.
Molecular consequence: missense variant.
Genome position (GRCh38, 1-based): chr9:13,107,029, T>C on the plus strand (A>G on the coding strand, the complement: MPDZ is on the minus strand). VCF-style: chr9-13107029-T-C. GRCh37 (hg19) VCF-style: chr9-13107028-T-C.
Other names: c.6050A>G, p.His2017Arg (NM_001261406.2, NM_001375416.1, NM_001375417.1 and 1 more transcripts); c.5963A>G, p.His1988Arg (NM_001261407.2, NM_001375419.1); c.6149A>G, p.His2050Arg (NM_001330637.2); c.6248A>G, p.His2083Arg (NM_001375413.1); c.5939A>G, p.His1980Arg (NM_001375420.1, NM_001375421.1, NM_001375422.1 and 2 more transcripts); c.5852A>G, p.His1951Arg (NM_001375425.1, NM_001375426.1); c.5741A>G, p.His1914Arg (NM_001375427.1); c.6062A>G, p.His2021Arg (NM_003829.5); short protein forms H1914R, H1951R, H2017R, H2021R, H1980R, H2083R, H1988R, H2050R.
Identifiers: ClinVar variation 1367535 (VCV001367535.8), dbSNP rs369281280, ClinGen allele CA4985940.
Genomic context (GRCh38, chr9:13,107,029, plus strand): 5'-GAGAGAACCATCAAAGTGACAGTGCCTTTTGTCCGTTTAAGGATGGCAACAGCTTCTTCA[T>C]GGGTGACTCCTTCTAGACTCTGCCCATTGACAGCAATGATCTGATCGCCCCTTTTCAGAC-3'
Protein context (NP_001365707.1, residues 2040-2060): VNGQSLEGVT[His2050Arg]EEAVAILKRT